The following is an entry in ClinVar:

NM_015450.3(POT1):c.1115G>C (p.Arg372Thr)

Gene: POT1 (protection of telomeres 1; minus strand). Cytogenetic location: 7q31.33.
Variant type: single nucleotide variant.
Coding change: c.1115G>C on transcript NM_015450.3 (MANE Select); coding-DNA position 1115, G replaced by C.
Protein change: p.Arg372Thr; replaces arginine 372 with threonine.
Molecular consequence: missense variant. On other transcripts: non-coding transcript variant (3).
Genome position (GRCh38, 1-based): chr7:124,842,855, C>G on the plus strand (G>C on the coding strand, the complement: POT1 is on the minus strand). VCF-style: chr7-124842855-C-G. GRCh37 (hg19) VCF-style: chr7-124482909-C-G.
Other names: c.722G>C, p.Arg241Thr (NM_001042594.2); short protein forms R241T, R372T.
Identifiers: ClinVar variation 4673758 (VCV004673758.1).

ClinVar aggregate classification (germline): Uncertain significance (1 of 4 stars; one submission).

Conditions:
Hereditary cancer-predisposing syndrome. Also called: Neoplastic Syndromes, Hereditary; Tumor predisposition; Hereditary Cancer Syndrome; Hereditary neoplastic syndrome. Identifiers: Orphanet 140162, MedGen C0027672, MeSH D009386, MONDO:0015356.

gnomAD v4.1: 1 of 1,607,084 alleles (0.000062%); highest among the groups gnomAD compares: African/African-American, 0.0013%; no homozygotes.

Submission:

Ambry Genetics
Classification: Uncertain significance for Hereditary cancer-predisposing syndrome. Last evaluated: 2025-11-08. Review status: criteria provided, single submitter. Criteria: Ambry Variant Classification Scheme 2023. Collection method: clinical testing. Allele origin: germline.
Comment: The p.R372T variant (also known as c.1115G>C), located in coding exon 9 of the POT1 gene, results from a G to C substitution at nucleotide position 1115. The arginine at codon 372 is replaced by threonine, an amino acid with similar properties. This amino acid position is conserved. In addition, this alteration is predicted to be tolerated by in silico analysis. Based on the available evidence, the clinical significance of this variant remains unclear.